The following is an entry in ClinVar:

NM_032638.5(GATA2):c.688C>A (p.Arg230Ser)

Gene: GATA2 (GATA binding protein 2; minus strand). Cytogenetic location: 3q21.3.
Variant type: single nucleotide variant.
Coding change: c.688C>A on transcript NM_032638.5 (MANE Select); coding-DNA position 688, C replaced by A.
Protein change: p.Arg230Ser; replaces arginine 230 with serine.
Molecular consequence: missense variant.
Genome position (GRCh38, 1-based): chr3:128,485,910, G>T on the plus strand (C>A on the coding strand, the complement: GATA2 is on the minus strand). VCF-style: chr3-128485910-G-T. GRCh37 (hg19) VCF-style: chr3-128204753-G-T.
Other names: c.688C>A, p.Arg230Ser (NM_001145661.2, NM_001145662.1); short protein forms R230S.
Identifiers: ClinVar variation 1054155 (VCV001054155.9), dbSNP rs769473824, ClinGen allele CA354406246.
Genomic context (GRCh38, chr3:128,485,910, plus strand): 5'-GGTAGGTGGGGATGGGGTGGTGTGTAGCAGGCTGGGTGCCCATAGTAGCTAGGCCTGGGC[G>T]CAGGGGACTGCCACTTTCCATCTTCATGCTCTCCGTCAGTGACACCTGGTACTTGACGCC-3'
Protein context (NP_116027.2, residues 220-240): SMKMESGSPL[Arg230Ser]PGLATMGTQP

ClinVar aggregate classification (germline): Uncertain significance (1 of 4 stars; one submission).

Conditions:
Deafness-lymphedema-leukemia syndrome. Also called: Emberger syndrome; Lymphedema, primary, with myelodysplasia. Identifiers: Orphanet 3226, MedGen C3279664, MONDO:0013540, OMIM 614038.
Monocytopenia with susceptibility to infections. Also called: MONOCYTOPENIA AND MYCOBACTERIAL INFECTION SYNDROME; MONOCYTOPENIA WITH SUSCEPTIBILITY TO MYCOBACTERIAL, FUNGAL, AND PAPILLOMAVIRUS INFECTIONS AND MYELODYSPLASIA; COMBINED IMMUNODEFICIENCY WITH SUSCEPTIBILITY TO MYCOBACTERIAL, VIRAL, AND FUNGAL INFECTIONS; Dendritic cell, monocyte, B lymphocyte, and natural killer lymphocyte deficiency; IMMUNODEFICIENCY 21; GATA2 DEFICIENCY. Identifiers: Orphanet 228423, MedGen C3280030, MONDO:0013607, OMIM 614172.

gnomAD v4.1: 1 of 1,614,124 alleles (0.000062%); highest among the groups gnomAD compares: South Asian, 0.0011%; no homozygotes.

Submission:

Labcorp Genetics (formerly Invitae), Labcorp
Classification: Uncertain significance for Monocytopenia with susceptibility to infections; Deafness-lymphedema-leukemia syndrome. Last evaluated: 2022-12-24. Review status: criteria provided, single submitter. Criteria: Invitae Variant Classification Sherloc (09022015). Collection method: clinical testing. Allele origin: germline.
Comment: Advanced modeling of protein sequence and biophysical properties (such as structural, functional, and spatial information, amino acid conservation, physicochemical variation, residue mobility, and thermodynamic stability) has been performed at Invitae for this missense variant, however the output from this modeling did not meet the statistical confidence thresholds required to predict the impact of this variant on GATA2 protein function. ClinVar contains an entry for this variant (Variation ID: 1054155). This variant has not been reported in the literature in individuals affected with GATA2-related conditions. This variant is present in population databases (no rsID available, gnomAD 0.003%). This sequence change replaces arginine, which is basic and polar, with serine, which is neutral and polar, at codon 230 of the GATA2 protein (p.Arg230Ser). In summary, the available evidence is currently insufficient to determine the role of this variant in disease. Therefore, it has been classified as a Variant of Uncertain Significance.